The following is an entry in ClinVar:

ClinVar aggregate classification (germline): Uncertain significance (1 of 4 stars; one submission).

Submission:

GeneDx
Classification: Uncertain significance. Last evaluated: 2025-04-23. Review status: criteria provided, single submitter. Criteria: GeneDx Variant Classification Process June 2021. Collection method: clinical testing. Allele origin: germline. Affected: yes.
Comment: Not observed at significant frequency in large population cohorts (gnomAD); In silico analysis supports that this missense variant has a deleterious effect on protein structure/function; Has not been previously published as pathogenic or benign to our knowledge

NM_000525.4(KCNJ11):c.622A>C (p.Ser208Arg)

Gene: KCNJ11 (potassium inwardly rectifying channel subfamily J member 11; minus strand). Cytogenetic location: 11p15.1.
Variant type: single nucleotide variant.
Coding change: c.622A>C on transcript NM_000525.4 (MANE Select); coding-DNA position 622, A replaced by C.
Protein change: p.Ser208Arg; replaces serine 208 with arginine.
Molecular consequence: missense variant.
Genome position (GRCh38, 1-based): chr11:17,387,470, T>G on the plus strand (A>C on the coding strand, the complement: KCNJ11 is on the minus strand). VCF-style: chr11-17387470-T-G. GRCh37 (hg19) VCF-style: chr11-17409017-T-G.
Other names: c.361A>C, p.Ser121Arg (NM_001166290.2, NM_001377296.1, NM_001377297.1); short protein forms S121R, S208R.
Identifiers: ClinVar variation 4527605 (VCV004527605.1).
Genomic context (GRCh38, chr11:17,387,470, plus strand): 5'-CCTCGGGGCTGGTGGTCTTGCGTACCACCTGCATGTGGATGGTGGCGCTGATGATCATGC[T>G]CTTGCGGAGGTCACCCACACGTAGCATGAAGCAGAGGCGGCCGTGGCGCAGGGCGATCAC-3'
Protein context (NP_000516.3, residues 198-218): FMLRVGDLRK[Ser208Arg]MIISATIHMQ